The following is an entry in ClinVar:

NM_030665.4(RAI1):c.5110_5116del (p.Gly1704fs)

Gene: RAI1 (retinoic acid induced 1; plus strand). Cytogenetic location: 17p11.2.
Variant type: Deletion.
Coding change: c.5110_5116del on transcript NM_030665.4 (MANE Select); coding-DNA positions 5110 to 5116, 7 bases deleted (GGGCCCT; older notation c.5110_5116delGGGCCCT).
Protein change: p.Gly1704fs; shifts the reading frame from glycine 1704.
Molecular consequence: frameshift variant.
Genome position (GRCh38, 1-based): chr17:17,798,058-17,798,064, GGGCCCT deleted; deleting any 7 consecutive bases within chr17:17,798,057-17,798,064 gives the same sequence; the c. name uses the placement nearest the transcript's 3' end. VCF-style (leftmost placement, unchanged base first): chr17-17798056-GTGGGCCC-G. GRCh37 (hg19) VCF-style: chr17-17701370-GTGGGCCC-G.
Other names: short protein forms G1704fs.
Identifiers: ClinVar variation 2736809 (VCV002736809.3), dbSNP rs2543624446, ClinGen allele CA2697559440.
Genomic context (GRCh38, chr17:17,798,056, plus strand): 5'-CTTGCCTTGTTTGCTGCCTCTGCCAAAACCCGGCCAACTTCAAGGACCTTGGGGACCTCT[GTGGGCCC>G]TACTACCCTGAACACTGCCTCCCCAAAAAGAAGCCAAAACTCAAGGAGAAGGTGCGGCCA-3'

ClinVar aggregate classification (germline): Pathogenic (1 of 4 stars; one submission).

Submission:

Labcorp Genetics (formerly Invitae), Labcorp
Classification: Pathogenic. Last evaluated: 2023-07-07. Review status: criteria provided, single submitter. Criteria: Invitae Variant Classification Sherloc (09022015). Collection method: clinical testing. Allele origin: germline.
Comment: This sequence change creates a premature translational stop signal (p.Gly1704Thrfs*144) in the RAI1 gene. It is expected to result in an absent or disrupted protein product. Loss-of-function variants in RAI1 are known to be pathogenic (PMID: 21857958, 24715852). This variant is not present in population databases (gnomAD no frequency). For these reasons, this variant has been classified as Pathogenic. This variant has not been reported in the literature in individuals affected with RAI1-related conditions.

Literature cited by the submitters: PubMed 21857958; PubMed 24715852.